The following is an entry in ClinVar:

ClinVar aggregate classification (germline): Likely benign (1 of 4 stars; one submission).

Allele frequency attached by ClinVar (database versions not stated): gnomAD 0.00001; TOPMed 0.00001.

Submission:

CeGaT Center for Human Genetics Tuebingen
Classification: Likely benign. Last evaluated: 2022-11-01. Review status: criteria provided, single submitter. Criteria: CeGaT Center For Human Genetics Tuebingen Variant Classification Criteria Version 2. Collection method: clinical testing. Allele origin: germline. Affected: yes. Observed: 1 variant allele.
Comment: PPP4R3C: BP4, BP7

NM_207319.4(PPP4R3C):c.2064T>C (p.Asp688=)

Gene: PPP4R3C (protein phosphatase 4 regulatory subunit 3C; minus strand). Cytogenetic location: Xp21.3.
Variant type: single nucleotide variant.
Coding change: c.2064T>C on transcript NM_207319.4 (MANE Select); coding-DNA position 2064, T replaced by C.
Protein change: p.Asp688=; no amino-acid change (aspartic acid 688 retained).
Molecular consequence: synonymous variant.
Genome position (GRCh38, 1-based): chrX:27,461,233, A>G on the plus strand (T>C on the coding strand, the complement: PPP4R3C is on the minus strand). VCF-style: chrX-27461233-A-G. GRCh37 (hg19) VCF-style: chrX-27479350-A-G.
Identifiers: ClinVar variation 2660212 (VCV002660212.24), dbSNP rs1461648364, ClinGen allele CA515806251.